The following is an entry in ClinVar:

ClinVar aggregate classification (germline): Uncertain significance (1 of 4 stars; one submission).

Allele frequency attached by ClinVar (database versions not stated): gnomAD 0.00001.
gnomAD v4.1: 2 of 1,613,928 alleles (0.00012%); highest among the groups gnomAD compares: African/African-American, 0.0027%; no homozygotes.

Submission:

Ambry Genetics
Classification: Uncertain significance. Last evaluated: 2022-01-30. Review status: criteria provided, single submitter. Criteria: Ambry Variant Classification Scheme 2023. Collection method: clinical testing. Allele origin: germline.
Comment: The p.G382V variant (also known as c.1145G>T), located in coding exon 13 of the NPAT gene, results from a G to T substitution at nucleotide position 1145. The glycine at codon 382 is replaced by valine, an amino acid with dissimilar properties. This amino acid position is conserved. In addition, this alteration is predicted to be tolerated by in silico analysis. Since supporting evidence is limited at this time, the clinical significance of this alteration remains unclear.

NM_002519.3(NPAT):c.1145G>T (p.Gly382Val)

Gene: NPAT (nuclear protein, coactivator of histone transcription; minus strand). Cytogenetic location: 11q22.3.
Variant type: single nucleotide variant.
Coding change: c.1145G>T on transcript NM_002519.3 (MANE Select); coding-DNA position 1145, G replaced by T.
Protein change: p.Gly382Val; replaces glycine 382 with valine.
Molecular consequence: missense variant.
Genome position (GRCh38, 1-based): chr11:108,173,839, C>A on the plus strand (G>T on the coding strand, the complement: NPAT is on the minus strand). VCF-style: chr11-108173839-C-A. GRCh37 (hg19) VCF-style: chr11-108044566-C-A.
Other names: c.1145G>T, p.Gly382Val (NM_001321307.1); short protein forms G382V.
Identifiers: ClinVar variation 1732422 (VCV001732422.2), dbSNP rs1314567539, ClinGen allele CA382516227.